The following is an entry in ClinVar:

NM_004655.4(AXIN2):c.482T>A (p.Ile161Asn)

Gene: AXIN2 (axin 2; minus strand). Cytogenetic location: 17q24.1.
Variant type: single nucleotide variant.
Coding change: c.482T>A on transcript NM_004655.4 (MANE Select); coding-DNA position 482, T replaced by A.
Protein change: p.Ile161Asn; replaces isoleucine 161 with asparagine.
Molecular consequence: missense variant.
Genome position (GRCh38, 1-based): chr17:65,558,139, A>T on the plus strand (T>A on the coding strand, the complement: AXIN2 is on the minus strand). VCF-style: chr17-65558139-A-T. GRCh37 (hg19) VCF-style: chr17-63554257-A-T.
Other names: c.482T>A, p.Ile161Asn (NM_001363813.1); short protein forms I161N.
Identifiers: ClinVar variation 4619803 (VCV004619803.1).

ClinVar aggregate classification (germline): Uncertain significance (1 of 4 stars; one submission).

Conditions:
Hereditary cancer-predisposing syndrome. Also called: Neoplastic Syndromes, Hereditary; Tumor predisposition; Hereditary Cancer Syndrome; Hereditary neoplastic syndrome. Identifiers: Orphanet 140162, MedGen C0027672, MeSH D009386, MONDO:0015356.

Submission:

Ambry Genetics
Classification: Uncertain significance for Hereditary cancer-predisposing syndrome. Last evaluated: 2025-11-20. Review status: criteria provided, single submitter. Criteria: Ambry Variant Classification Scheme 2023. Collection method: clinical testing. Allele origin: germline.
Comment: The p.I161N variant (also known as c.482T>A), located in coding exon 1 of the AXIN2 gene, results from a T to A substitution at nucleotide position 482. The isoleucine at codon 161 is replaced by asparagine, an amino acid with dissimilar properties. This amino acid position is conserved. In addition, the in silico prediction for this alteration is inconclusive. Based on the available evidence, the clinical significance of this variant remains unclear.